The following is an entry in ClinVar:

ClinVar aggregate classification (germline): Benign/Likely benign. Review status: criteria provided, multiple submitters, no conflicts (2 of 4 stars). 4 submissions from 4 submitters: Benign (2); Likely benign (2). Last evaluated 2026-01-27.

Allele frequency attached by ClinVar (database versions not stated): 1000 Genomes Project 0.00819; TOPMed 0.01853; gnomAD exomes 0.01890 and 0.02891; gnomAD 0.01896 and 0.01942; ExAC 0.01932; ESP Exome Variant Server 0.02199.
gnomAD v4.1: 44,920 of 1,613,836 alleles (2.8%); highest among the groups gnomAD compares: Non-Finnish European, 3.4%; 793 homozygotes.

Submissions (4):

Labcorp Genetics (formerly Invitae), Labcorp
Classification: Benign. Last evaluated: 2026-01-27. Review status: criteria provided, single submitter. Criteria: Invitae Variant Classification Sherloc (09022015). Collection method: clinical testing. Allele origin: germline.

Mayo Clinic Laboratories, Mayo Clinic
Classification: Benign. Last evaluated: 2023-07-06. Review status: criteria provided, single submitter. Criteria: ACMG Guidelines, 2015. Collection method: clinical testing. Allele origin: germline. Observed: 27 variant alleles.
Comment: BS1, BS2, BP4, BP7

GeneDx
Classification: Likely benign. Last evaluated: 2022-05-26. Review status: criteria provided, single submitter. Criteria: GeneDx Variant Classification Process June 2021. Collection method: clinical testing. Allele origin: germline. Affected: yes.
Comment: See Variant Classification Assertion Criteria.

Breakthrough Genomics
Classification: Likely benign. Review status: criteria provided, single submitter. Criteria: ACMG Guidelines, 2015. Collection method: not provided. Allele origin: germline. Inheritance: Autosomal dominant inheritance. Affected: yes.

NM_021814.5(ELOVL5):c.861G>T (p.Leu287=)

Gene: ELOVL5 (ELOVL fatty acid elongase 5; minus strand). Cytogenetic location: 6p12.1.
Variant type: single nucleotide variant.
Coding change: c.861G>T on transcript NM_021814.5 (MANE Select); coding-DNA position 861, G replaced by T.
Protein change: p.Leu287=; no amino-acid change (leucine 287 retained).
Molecular consequence: synonymous variant. On other transcripts: nonsense (1).
Genome position (GRCh38, 1-based): chr6:53,269,166, C>A on the plus strand (G>T on the coding strand, the complement: ELOVL5 is on the minus strand). VCF-style: chr6-53269166-C-A. GRCh37 (hg19) VCF-style: chr6-53133964-C-A.
Other names: p.Leu287=; c.942G>T, p.Leu314= (NM_001242828.2); c.736G>T, p.Gly246Ter (NM_001242830.2); c.861G>T, p.Leu287= (NM_001301856.2); short protein forms G246*.
Identifiers: ClinVar variation 1316416 (VCV001316416.9), dbSNP rs41273878, ClinGen allele CA3859604.